The following is an entry in ClinVar:

ClinVar aggregate classification (germline): Pathogenic (1 of 4 stars; one submission).

Submission:

Labcorp Genetics (formerly Invitae), Labcorp
Classification: Pathogenic. Last evaluated: 2023-07-03. Review status: criteria provided, single submitter. Criteria: Invitae Variant Classification Sherloc (09022015). Collection method: clinical testing. Allele origin: germline.
Comment: This sequence change creates a premature translational stop signal (p.Gln1160Thrfs*75) in the SZT2 gene. It is expected to result in an absent or disrupted protein product. Loss-of-function variants in SZT2 are known to be pathogenic (PMID: 23932106, 27248490, 28556953). For these reasons, this variant has been classified as Pathogenic. This variant has not been reported in the literature in individuals affected with SZT2-related conditions. This variant is not present in population databases (gnomAD no frequency).

Literature cited by the submitters: PubMed 23932106; PubMed 27248490; PubMed 28556953.

NM_001365999.1(SZT2):c.3648dup (p.Gln1217fs)

Gene: SZT2 (SZT2 subunit of KICSTOR complex; plus strand). Cytogenetic location: 1p34.2.
Variant type: Duplication.
Coding change: c.3648dup on transcript NM_001365999.1 (MANE Select); coding-DNA position 3648, one base duplicated (A; older notation c.3648dupA).
Protein change: p.Gln1217fs; shifts the reading frame from glutamine 1217.
Molecular consequence: frameshift variant.
Genome position (GRCh38, 1-based): chr1:43,427,579, A duplicated. VCF-style (leftmost placement, unchanged base first): chr1-43427578-T-TA. GRCh37 (hg19) VCF-style: chr1-43893249-T-TA.
Other names: c.3477dup, p.Gln1160fs (NM_015284.4); short protein forms Q1217fs, Q1160fs.
Identifiers: ClinVar variation 2735396 (VCV002735396.3), dbSNP rs2545819980, ClinGen allele CA2574342060.